The following is an entry in ClinVar:

NM_000094.4(COL7A1):c.4072G>A (p.Gly1358Ser)

Gene: COL7A1 (collagen type VII alpha 1 chain; minus strand). Cytogenetic location: 3p21.31.
Variant type: single nucleotide variant.
Coding change: c.4072G>A on transcript NM_000094.4 (MANE Select); coding-DNA position 4072, G replaced by A.
Protein change: p.Gly1358Ser; replaces glycine 1358 with serine.
Molecular consequence: missense variant.
Genome position (GRCh38, 1-based): chr3:48,584,532, C>T on the plus strand (G>A on the coding strand, the complement: COL7A1 is on the minus strand). VCF-style: chr3-48584532-C-T. GRCh37 (hg19) VCF-style: chr3-48621965-C-T.
Other names: short protein forms G1358S.
Identifiers: ClinVar variation 1404185 (VCV001404185.9), dbSNP rs750288565, ClinGen allele CA2380233.

ClinVar aggregate classification (germline): Uncertain significance. Review status: criteria provided, multiple submitters, no conflicts (2 of 4 stars). 2 submissions from 2 submitters: Uncertain significance (2). Last evaluated 2024-06-05.

Allele frequency attached by ClinVar (database versions not stated): gnomAD exomes below 0.00001; ExAC 0.00001.
gnomAD v4.1: 1 of 1,614,124 alleles (0.000062%); highest among the groups gnomAD compares: Non-Finnish European, 0.000085%; no homozygotes.

Submissions (2):

Women's Health and Genetics/Laboratory Corporation of America, LabCorp
Classification: Uncertain significance. Last evaluated: 2024-06-05. Review status: criteria provided, single submitter. Criteria: LabCorp Variant Classification Summary - May 2015. Collection method: clinical testing. Allele origin: germline.

Labcorp Genetics (formerly Invitae), Labcorp
Classification: Uncertain significance. Last evaluated: 2021-07-06. Review status: criteria provided, single submitter. Criteria: Invitae Variant Classification Sherloc (09022015). Collection method: clinical testing. Allele origin: germline.
Comment: This sequence change replaces glycine with serine at codon 1358 of the COL7A1 protein (p.Gly1358Ser). The glycine residue is highly conserved and there is a small physicochemical difference between glycine and serine. In summary, the available evidence is currently insufficient to determine the role of this variant in disease. Therefore, it has been classified as a Variant of Uncertain Significance. Algorithms developed to predict the effect of missense changes on protein structure and function output the following: SIFT: "Tolerated"; PolyPhen-2: "Not Available"; Align-GVGD: "Class C0". The serine amino acid residue is found in multiple mammalian species, which suggests that this missense change does not adversely affect protein function. This variant has not been reported in the literature in individuals affected with COL7A1-related conditions. This variant is present in population databases (rs750288565, ExAC 0.01%).